The following is an entry in ClinVar:

ClinVar aggregate classification (germline): Uncertain significance (1 of 4 stars; one submission).

Submission:

Labcorp Genetics (formerly Invitae), Labcorp
Classification: Uncertain significance. Last evaluated: 2022-03-01. Review status: criteria provided, single submitter. Criteria: Invitae Variant Classification Sherloc (09022015). Collection method: clinical testing. Allele origin: germline.
Comment: In summary, the available evidence is currently insufficient to determine the role of this variant in disease. Therefore, it has been classified as a Variant of Uncertain Significance. Algorithms developed to predict the effect of sequence changes on RNA splicing suggest that this variant is not likely to affect RNA splicing. This variant has not been reported in the literature in individuals affected with USH2A-related conditions. This variant is not present in population databases (gnomAD no frequency). This sequence change affects codon 3319 of the USH2A mRNA. It is a 'silent' change, meaning that it does not change the encoded amino acid sequence of the USH2A protein. It affects a nucleotide within the consensus splice site.

NM_206933.4(USH2A):c.9957A>G (p.Pro3319=)

Gene: USH2A (usherin; minus strand). Cytogenetic location: 1q41.
Variant type: single nucleotide variant.
Coding change: c.9957A>G on transcript NM_206933.4 (MANE Select); coding-DNA position 9957, A replaced by G.
Protein change: p.Pro3319=; no amino-acid change (proline 3319 retained).
Molecular consequence: synonymous variant.
Genome position (GRCh38, 1-based): chr1:215,798,908, T>C on the plus strand (A>G on the coding strand, the complement: USH2A is on the minus strand). VCF-style: chr1-215798908-T-C. GRCh37 (hg19) VCF-style: chr1-215972250-T-C.
Identifiers: ClinVar variation 2105540 (VCV002105540.4), dbSNP rs2464453812, ClinGen allele CA423430139.